The following is an entry in ClinVar:

ClinVar aggregate classification (germline): Uncertain significance. Review status: criteria provided, multiple submitters, no conflicts (2 of 4 stars). 2 submissions from 2 submitters: Uncertain significance (2). Last evaluated 2020-03-27.

Conditions:
Inborn genetic diseases. Identifiers: MedGen C0950123, MeSH D030342.

Allele frequency attached by ClinVar (database versions not stated): ExAC 0.00001.
gnomAD v4.1: 16 of 1,613,236 alleles (0.00099%); highest among the groups gnomAD compares: South Asian, 0.0099%; no homozygotes.

Submissions (2):

Ambry Genetics
Classification: Uncertain significance for Inborn genetic diseases. Last evaluated: 2020-03-27. Review status: criteria provided, single submitter. Criteria: Ambry Variant Classification Scheme 2023. Collection method: clinical testing. Allele origin: germline.
Comment: The p.L217M variant (also known as c.649T>A), located in coding exon 5 of the TUSC3 gene, results from a T to A substitution at nucleotide position 649. The leucine at codon 217 is replaced by methionine, an amino acid with highly similar properties. This amino acid position is highly conserved in available vertebrate species. In addition, the in silico prediction for this alteration is inconclusive. Since supporting evidence is limited at this time, the clinical significance of this alteration remains unclear.

Breakthrough Genomics
Classification: Uncertain significance. Review status: criteria provided, single submitter. Criteria: ACMG Guidelines, 2015. Collection method: not provided. Allele origin: germline. Inheritance: Autosomal recessive inheritance. Affected: yes.

NM_006765.4(TUSC3):c.649T>A (p.Leu217Met)

Gene: TUSC3 (tumor suppressor candidate 3; plus strand). Cytogenetic location: 8p22.
Variant type: single nucleotide variant.
Coding change: c.649T>A on transcript NM_006765.4 (MANE Select); coding-DNA position 649, T replaced by A.
Protein change: p.Leu217Met; replaces leucine 217 with methionine.
Molecular consequence: missense variant.
Genome position (GRCh38, 1-based): chr8:15,662,237, T>A. VCF-style: chr8-15662237-T-A. GRCh37 (hg19) VCF-style: chr8-15519746-T-A.
Other names: c.649T>A, p.Leu217Met (NM_001356429.2, NM_001413583.1, NM_001413673.1 and 16 more transcripts); c.481T>A, p.Leu161Met (NM_001413669.1, NM_001413671.1, NM_001413672.1); c.589T>A, p.Leu197Met (NM_001413670.1); c.217T>A, p.Leu73Met (NM_001413677.1); c.262T>A, p.Leu88Met (NM_001413678.1); c.643T>A, p.Leu215Met (NM_001413690.1); short protein forms L88M, L161M, L73M, L197M, L215M, L217M.
Identifiers: ClinVar variation 1753888 (VCV001753888.3), dbSNP rs772626944, ClinGen allele CA4640515.
Genomic context (GRCh38, chr8:15,662,237, plus strand): 5'-AACTACTCTGGTACCATTGCTTTGGCCCTGTTAGTGTCGCTTGTTGGAGGTTTGCTTTAT[T>A]TGAGAAGGAACAACTTGGAGTTCATCTATAACAAGACTGGTTGGGCCATGGTGTCTCTGG-3'
Protein context (NP_006756.2, residues 207-227): LVSLVGGLLY[Leu217Met]RRNNLEFIYN